The following is an entry in ClinVar:

NM_006302.3(MOGS):c.2099G>A (p.Arg700Gln)

Gene: MOGS (mannosyl-oligosaccharide glucosidase; minus strand). Cytogenetic location: 2p13.1.
Variant type: single nucleotide variant.
Coding change: c.2099G>A on transcript NM_006302.3 (MANE Select); coding-DNA position 2099, G replaced by A.
Protein change: p.Arg700Gln; replaces arginine 700 with glutamine.
Molecular consequence: missense variant.
Genome position (GRCh38, 1-based): chr2:74,461,690, C>T on the plus strand (G>A on the coding strand, the complement: MOGS is on the minus strand). VCF-style: chr2-74461690-C-T. GRCh37 (hg19) VCF-style: chr2-74688817-C-T.
Other names: c.1781G>A, p.Arg594Gln (NM_001146158.2); short protein forms R700Q, R594Q.
Identifiers: ClinVar variation 3011954 (VCV003011954.2), dbSNP rs771226355, ClinGen allele CA1724653.
Genomic context (GRCh38, chr2:74,461,690, plus strand): 5'-CGGCTGTCGGCTAGAATGTCCAGCAGGGGCCCAAGGCGGGATGAGGTGGGGTCCAGCAGT[C>T]GCAGCAGCAAGGGAAAAAGACTGACATAGCCAAGAGCATCTACATACTGCAGTTGAGGTT-3'
Protein context (NP_006293.2, residues 690-710): GYVSLFPLLL[Arg700Gln]LLDPTSSRLG

ClinVar aggregate classification (germline): Uncertain significance (1 of 4 stars; one submission).

Conditions:
MOGS-congenital disorder of glycosylation. Also called: CDG IIb; GLUCOSIDASE I DEFICIENCY; CDG 2B; MOGS-CDG. Identifiers: Orphanet 79330, MedGen C1853736, MONDO:0011629, OMIM 606056.

Allele frequency attached by ClinVar (database versions not stated): TOPMed 0.00001; ExAC 0.00002.
gnomAD v4.1: 24 of 1,614,180 alleles (0.0015%); highest among the groups gnomAD compares: East Asian, 0.0022%; no homozygotes.

Submission:

Labcorp Genetics (formerly Invitae), Labcorp
Classification: Uncertain significance for MOGS-congenital disorder of glycosylation. Last evaluated: 2023-12-26. Review status: criteria provided, single submitter. Criteria: Invitae Variant Classification Sherloc (09022015). Collection method: clinical testing. Allele origin: germline.
Comment: This sequence change replaces arginine, which is basic and polar, with glutamine, which is neutral and polar, at codon 700 of the MOGS protein (p.Arg700Gln). This variant is present in population databases (rs771226355, gnomAD 0.004%). This variant has not been reported in the literature in individuals affected with MOGS-related conditions. Advanced modeling of protein sequence and biophysical properties (such as structural, functional, and spatial information, amino acid conservation, physicochemical variation, residue mobility, and thermodynamic stability) performed at Invitae indicates that this missense variant is not expected to disrupt MOGS protein function with a negative predictive value of 80%. In summary, the available evidence is currently insufficient to determine the role of this variant in disease. Therefore, it has been classified as a Variant of Uncertain Significance.